The following is an entry in ClinVar:

ClinVar aggregate classification (germline): Likely benign (1 of 4 stars; one submission).

gnomAD v4.1: 5,706 of 1,497,044 alleles (0.38%); highest among the groups gnomAD compares: Non-Finnish European, 0.44%; 14 homozygotes.

Submission:

CeGaT Center for Human Genetics Tuebingen
Classification: Likely benign. Last evaluated: 2026-01-01. Review status: criteria provided, single submitter. Criteria: CeGaT Center For Human Genetics Tuebingen Variant Classification Criteria Version 2. Collection method: clinical testing. Allele origin: germline. Affected: yes. Observed: 2 variant alleles.
Comment: HYI: BP4, BP7, BS2

NM_001190880.3(HYI):c.171G>A (p.Leu57=)

Genes: HYI (hydroxypyruvate isomerase (putative); minus strand), SZT2 (SZT2 subunit of KICSTOR complex; plus strand). Cytogenetic location: 1p34.2.
Variant type: single nucleotide variant.
Coding change: c.171G>A on transcript NM_001190880.3 (MANE Select); coding-DNA position 171, G replaced by A.
Protein change: p.Leu57=; no amino-acid change (leucine 57 retained).
Molecular consequence: synonymous variant. On other transcripts: 3 prime UTR variant (2).
Genome position (GRCh38, 1-based): chr1:43,453,623, C>T on the plus strand (G>A on the coding strand, the complement: HYI is on the minus strand). VCF-style: chr1-43453623-C-T. GRCh37 (hg19) VCF-style: chr1-43919294-C-T.
Other names: c.*3143C>T (NM_001365999.1, NM_015284.4); c.171G>A, p.Leu57= (NM_001243526.2, NM_001330526.2, NM_031207.6).
Identifiers: ClinVar variation 4083706 (VCV004083706.8).
Genomic context (GRCh38, chr1:43,453,623, plus strand): 5'-AGCCCTCCCAGCCCTCCCGGCCCGCGACGCACCCGGGGGCGTGTTGATCAGTACAAGCCG[C>T]AGCCCCGCTTCTCGCGCGGCGCGCGCCAGCGCCTCAGGCGTCTCCGCGTACGGCCAGGCC-3'
Protein context (NP_001177809.1, residues 47-67): ALARAAREAG[Leu57=]RLVLINTPPG